The following is an entry in ClinVar:

ClinVar aggregate classification (germline): Likely benign. Review status: criteria provided, multiple submitters, no conflicts (2 of 4 stars). 3 submissions from 3 submitters: Likely benign (3). Last evaluated 2026-01-27.

Conditions:
Aortic aneurysm, familial thoracic 4 (AAT4). Also called: AORTIC ANEURYSM/AORTIC DISSECTION AND PATENT DUCTUS ARTERIOSUS. Identifiers: MedGen C1851504, MONDO:0007568, OMIM 132900.

Submissions (3):

Labcorp Genetics (formerly Invitae), Labcorp
Classification: Likely benign for Aortic aneurysm, familial thoracic 4. Last evaluated: 2026-01-27. Review status: criteria provided, single submitter. Criteria: Invitae Variant Classification Sherloc (09022015). Collection method: clinical testing. Allele origin: germline.

Blueprint Genetics
Classification: Likely benign. Last evaluated: 2024-07-29. Review status: criteria provided, single submitter. Criteria: ACMG Guidelines, 2015. Collection method: clinical testing. Allele origin: germline.

GeneDx
Classification: Likely benign. Last evaluated: 2016-01-27. Review status: criteria provided, single submitter. Criteria: GeneDx Variant Classification (06012015). Collection method: clinical testing. Allele origin: germline. Affected: yes.
Comment: This variant is considered likely benign or benign based on one or more of the following criteria: it is a conservative change, it occurs at a poorly conserved position in the protein, it is predicted to be benign by multiple in silico algorithms, and/or has population frequency not consistent with disease.

NM_002474.3(MYH11):c.3651+20_3651+32del

Gene: MYH11 (myosin heavy chain 11; minus strand). Cytogenetic location: 16p13.11.
Variant type: Microsatellite.
Coding change: c.3651+20_3651+32del on transcript NM_002474.3 (MANE Select); bases 20 to 32 of the intron after coding-DNA position 3651, 13 bases deleted (CTTTTTGGTGATG).
Molecular consequence: intron variant.
Genome position (GRCh38, 1-based): chr16:15,732,532-15,732,544, CATCACCAAAAAG deleted on the plus strand (CTTTTTGGTGATG on the coding strand, the reverse complement: MYH11 is on the minus strand); deleting any 13 consecutive bases within chr16:15,732,532-15,732,560 gives the same sequence; the c. name uses the placement nearest the transcript's 3' end. VCF-style (leftmost placement, unchanged base first): chr16-15732531-TCATCACCAAAAAG-T. GRCh37 (hg19) VCF-style: chr16-15826388-TCATCACCAAAAAG-T.
Other names: c.3651+20_3651+32del (NM_022844.3); c.3672+20_3672+32del (NM_001040114.2, NM_001040113.2); c.3651+20_3651+32delCTTTTTGGTGATG (NM_002474.2).
Identifiers: ClinVar variation 420398 (VCV000420398.9), dbSNP rs768133909, ClinGen allele CA7921940.